The following is an entry in ClinVar:

ClinVar aggregate classification (germline): Uncertain significance. Review status: criteria provided, multiple submitters, no conflicts (2 of 4 stars). 3 submissions from 3 submitters: Uncertain significance (3). Last evaluated 2024-07-12.

Conditions:
Leber congenital amaurosis 12 (LCA12). Identifiers: Orphanet 65, MedGen C1857743, MONDO:0012525, OMIM 610612.

Allele frequency attached by ClinVar (database versions not stated): gnomAD 0.00001; gnomAD exomes 0.00002 and 0.00003; TOPMed 0.00002; ExAC 0.00003.
gnomAD v4.1: 50 of 1,612,280 alleles (0.0031%); highest among the groups gnomAD compares: Middle Eastern, 0.049%; no homozygotes.

Submissions (3):

Blueprint Genetics
Classification: Uncertain significance. Last evaluated: 2024-07-12. Review status: criteria provided, single submitter. Criteria: ACMG Guidelines, 2015. Collection method: clinical testing. Allele origin: germline.

Labcorp Genetics (formerly Invitae), Labcorp
Classification: Uncertain significance for Leber congenital amaurosis 12. Last evaluated: 2022-10-28. Review status: criteria provided, single submitter. Criteria: Invitae Variant Classification Sherloc (09022015). Collection method: clinical testing. Allele origin: germline.
Comment: This sequence change replaces serine, which is neutral and polar, with phenylalanine, which is neutral and non-polar, at codon 170 of the RD3 protein (p.Ser170Phe). This variant is present in population databases (rs776821754, gnomAD 0.003%). This variant has not been reported in the literature in individuals affected with RD3-related conditions. ClinVar contains an entry for this variant (Variation ID: 1043566). Algorithms developed to predict the effect of missense changes on protein structure and function (SIFT, PolyPhen-2, Align-GVGD) all suggest that this variant is likely to be disruptive. In summary, the available evidence is currently insufficient to determine the role of this variant in disease. Therefore, it has been classified as a Variant of Uncertain Significance.

Breakthrough Genomics
Classification: Uncertain significance. Review status: criteria provided, single submitter. Criteria: ACMG Guidelines, 2015. Collection method: not provided. Allele origin: germline. Inheritance: Autosomal recessive inheritance. Affected: yes.

NM_001164688.2(RD3):c.509C>T (p.Ser170Phe)

Gene: RD3 (RD3 regulator of GUCY2D; minus strand). Cytogenetic location: 1q32.3.
Variant type: single nucleotide variant.
Coding change: c.509C>T on transcript NM_001164688.2 (MANE Select); coding-DNA position 509, C replaced by T.
Protein change: p.Ser170Phe; replaces serine 170 with phenylalanine.
Molecular consequence: missense variant.
Genome position (GRCh38, 1-based): chr1:211,479,115, G>A on the plus strand (C>T on the coding strand, the complement: RD3 is on the minus strand). VCF-style: chr1-211479115-G-A. GRCh37 (hg19) VCF-style: chr1-211652457-G-A.
Other names: c.509C>T, p.Ser170Phe (NM_183059.3); short protein forms S170F.
Identifiers: ClinVar variation 1043566 (VCV001043566.7), dbSNP rs776821754, ClinGen allele CA1381051.